The following is an entry in ClinVar:

ClinVar aggregate classification (germline): Pathogenic (1 of 4 stars; one submission).

Submission:

Labcorp Genetics (formerly Invitae), Labcorp
Classification: Pathogenic. Last evaluated: 2023-11-11. Review status: criteria provided, single submitter. Criteria: Invitae Variant Classification Sherloc (09022015). Collection method: clinical testing. Allele origin: germline.
Comment: This sequence change replaces glycine, which is neutral and non-polar, with glutamic acid, which is acidic and polar, at codon 135 of the RS1 protein (p.Gly135Glu). This variant is not present in population databases (gnomAD no frequency). This missense change has been observed in individuals with retinoschisis (PMID: 30652005; Invitae). ClinVar contains an entry for this variant (Variation ID: 1505465). Advanced modeling of protein sequence and biophysical properties (such as structural, functional, and spatial information, amino acid conservation, physicochemical variation, residue mobility, and thermodynamic stability) performed at Invitae indicates that this missense variant is expected to disrupt RS1 protein function with a positive predictive value of 95%. This variant disrupts the p.Gly135 amino acid residue in RS1. Other variant(s) that disrupt this residue have been observed in individuals with RS1-related conditions (PMID: 9618178), which suggests that this may be a clinically significant amino acid residue. For these reasons, this variant has been classified as Pathogenic.

Literature cited by the submitters: PubMed 30652005; PubMed 9618178.

NM_000330.4(RS1):c.404G>A (p.Gly135Glu)

Genes: CDKL5 (cyclin dependent kinase like 5; plus strand), RS1 (retinoschisin 1; minus strand). Cytogenetic location: Xp22.13.
Variant type: single nucleotide variant.
Coding change: c.404G>A on transcript NM_000330.4 (MANE Select); coding-DNA position 404, G replaced by A.
Protein change: p.Gly135Glu; replaces glycine 135 with glutamic acid.
Molecular consequence: missense variant. On other transcripts: intron variant (2).
Genome position (GRCh38, 1-based): chrX:18,644,548, C>T on the plus strand (G>A on the coding strand, the complement: RS1 is on the minus strand). VCF-style: chrX-18644548-C-T. GRCh37 (hg19) VCF-style: chrX-18662668-C-T.
Other names: c.2714-1459C>T (NM_003159.3, NM_001037343.2); short protein forms G135E.
Identifiers: ClinVar variation 1505465 (VCV001505465.9), dbSNP rs61752152, ClinGen allele CA412371994.